The following is an entry in ClinVar:

ClinVar aggregate classification (germline): Conflicting classifications of pathogenicity. Review status: criteria provided, conflicting classifications (1 of 4 stars). 3 submissions from 3 submitters: Uncertain significance (2); Benign (1). Last evaluated 2026-05-17.

Conditions:
Primary ciliary dyskinesia. Also called: Ciliary dyskinesia. Identifiers: Orphanet 244, MedGen C0008780, MONDO:0016575, HP:0012265.

Allele frequency attached by ClinVar (database versions not stated): gnomAD 0.00003; ExAC 0.00004; gnomAD exomes 0.00007; TOPMed 0.00010; ESP Exome Variant Server 0.00017.
gnomAD v4.1: 111 of 1,613,396 alleles (0.0069%); highest among the groups gnomAD compares: Non-Finnish European, 0.0088%; no homozygotes.

Submissions (3):

Ambry Genetics
Classification: Uncertain significance for Primary ciliary dyskinesia. Last evaluated: 2026-05-17. Review status: criteria provided, single submitter. Criteria: Ambry Variant Classification Scheme 2023. Collection method: clinical testing. Allele origin: germline.
Comment: The p.K2195E variant (also known as c.6583A>G), located in coding exon 40 of the DNAH11 gene, results from an A to G substitution at nucleotide position 6583. The lysine at codon 2195 is replaced by glutamic acid, an amino acid with similar properties. This amino acid position is conserved. In addition, this alteration is predicted to be tolerated by in silico analysis. Based on the available evidence, the clinical significance of this variant remains unclear.

Labcorp Genetics (formerly Invitae), Labcorp
Classification: Benign for Primary ciliary dyskinesia. Last evaluated: 2025-11-12. Review status: criteria provided, single submitter. Criteria: Invitae Variant Classification Sherloc (09022015). Collection method: clinical testing. Allele origin: germline.

Blueprint Genetics
Classification: Uncertain significance. Last evaluated: 2024-07-29. Review status: criteria provided, single submitter. Criteria: ACMG Guidelines, 2015. Collection method: clinical testing. Allele origin: germline.

NM_001277115.2(DNAH11):c.6583A>G (p.Lys2195Glu)

Gene: DNAH11 (dynein axonemal heavy chain 11; plus strand). Cytogenetic location: 7p15.3.
Variant type: single nucleotide variant.
Coding change: c.6583A>G on transcript NM_001277115.2 (MANE Select); coding-DNA position 6583, A replaced by G.
Protein change: p.Lys2195Glu; replaces lysine 2195 with glutamic acid.
Molecular consequence: missense variant.
Genome position (GRCh38, 1-based): chr7:21,707,735, A>G. VCF-style: chr7-21707735-A-G. GRCh37 (hg19) VCF-style: chr7-21747353-A-G.
Other names: short protein forms K2195E.
Identifiers: ClinVar variation 410864 (VCV000410864.9), dbSNP rs371974305, ClinGen allele CA4180899.